The following is an entry in ClinVar:

NM_003560.4(PLA2G6):c.110G>A (p.Arg37Gln)

Gene: PLA2G6 (phospholipase A2 group VI; minus strand). Cytogenetic location: 22q13.1.
Variant type: single nucleotide variant.
Coding change: c.110G>A on transcript NM_003560.4 (MANE Select); coding-DNA position 110, G replaced by A.
Protein change: p.Arg37Gln; replaces arginine 37 with glutamine.
Molecular consequence: missense variant. On other transcripts: 5 prime UTR variant (3).
Genome position (GRCh38, 1-based): chr22:38,169,317, C>T on the plus strand (G>A on the coding strand, the complement: PLA2G6 is on the minus strand). VCF-style: chr22-38169317-C-T. GRCh37 (hg19) VCF-style: chr22-38565324-C-T.
Other names: c.110G>A, p.Arg37Gln (NM_001004426.3, NM_001199562.3, NM_001349864.2 and 2 more transcripts); c.-556G>A (NM_001349867.2, NM_001349869.2); c.-381G>A (NM_001349868.2); short protein forms R37Q.
Identifiers: ClinVar variation 2067719 (VCV002067719.1), dbSNP rs374310914, ClinGen allele CA10231373.

ClinVar aggregate classification (germline): Uncertain significance (1 of 4 stars; one submission).

Conditions:
Infantile neuroaxonal dystrophy (NBIA2A). Also called: NEURODEGENERATION WITH BRAIN IRON ACCUMULATION 2A; SEITELBERGER DISEASE; Infantile neuroaxonal dystrophy 1. Identifiers: Orphanet 35069, MedGen C0270724, MONDO:0024457, OMIM 256600.

Allele frequency attached by ClinVar (database versions not stated): ExAC 0.00002; TOPMed 0.00001; 1000 Genomes Project 30x 0.00016; ESP Exome Variant Server 0.00008; 1000 Genomes Project 0.00020.
gnomAD v4.1: 67 of 1,614,206 alleles (0.0042%); highest among the groups gnomAD compares: South Asian, 0.0055%; no homozygotes.

Submission:

Labcorp Genetics (formerly Invitae), Labcorp
Classification: Uncertain significance for Infantile neuroaxonal dystrophy. Last evaluated: 2022-09-13. Review status: criteria provided, single submitter. Criteria: Invitae Variant Classification Sherloc (09022015). Collection method: clinical testing. Allele origin: germline.
Comment: This sequence change replaces arginine, which is basic and polar, with glutamine, which is neutral and polar, at codon 37 of the PLA2G6 protein (p.Arg37Gln). This variant is present in population databases (rs374310914, gnomAD 0.01%). This variant has not been reported in the literature in individuals affected with PLA2G6-related conditions. Advanced modeling of protein sequence and biophysical properties (such as structural, functional, and spatial information, amino acid conservation, physicochemical variation, residue mobility, and thermodynamic stability) performed at Invitae indicates that this missense variant is not expected to disrupt PLA2G6 protein function. In summary, the available evidence is currently insufficient to determine the role of this variant in disease. Therefore, it has been classified as a Variant of Uncertain Significance.